The following is an entry in ClinVar:

ClinVar aggregate classification (germline): Conflicting classifications of pathogenicity. Review status: criteria provided, conflicting classifications (1 of 4 stars). 9 submissions from 9 submitters: Uncertain significance (7); Likely benign (1). 1 of the submissions does not count toward it. Last evaluated 2025-08-24.

Conditions:
Familial meningioma. Also called: Meningioma, familial, susceptibility to. Identifiers: Orphanet 263662, MedGen C3551915, MONDO:0011789, OMIM 607174.
Neurofibromatosis, type 2 (SWNV). Also called: SCHWANNOMATOSIS, VESTIBULAR; BILATERAL ACOUSTIC NEUROFIBROMATOSIS; NF2-Related Schwannomatosis. Identifiers: Orphanet 637, MedGen C0027832, MONDO:0007039, OMIM 101000. Disease mechanism: loss of function.
Hereditary cancer-predisposing syndrome. Also called: Tumor predisposition; Hereditary neoplastic syndrome; Neoplastic Syndromes, Hereditary; Hereditary Cancer Syndrome. Identifiers: Orphanet 140162, MedGen C0027672, MeSH D009386, MONDO:0015356.

Allele frequency attached by ClinVar (database versions not stated): TOPMed 0.00001; gnomAD exomes 0.00001.
gnomAD v4.1: 10 of 1,613,976 alleles (0.00062%); highest among the groups gnomAD compares: Non-Finnish European, 0.00076%; no homozygotes.

Submissions (9):

Ambry Genetics
Classification: Uncertain significance for Hereditary cancer-predisposing syndrome. Last evaluated: 2025-08-24. Review status: criteria provided, single submitter. Criteria: Ambry Variant Classification Scheme 2023. Collection method: clinical testing. Allele origin: germline.

Labcorp Genetics (formerly Invitae), Labcorp
Classification: Likely benign for Neurofibromatosis, type 2. Last evaluated: 2025-08-15. Review status: criteria provided, single submitter. Criteria: Invitae Variant Classification Sherloc (09022015). Collection method: clinical testing. Allele origin: germline.

Color Diagnostics, LLC DBA Color Health
Classification: Uncertain significance for Neurofibromatosis, type 2. Last evaluated: 2025-06-23. Review status: criteria provided, single submitter. Criteria: ACMG Guidelines, 2015. Collection method: clinical testing. Allele origin: germline.
Comment: This missense variant replaces arginine with glutamine at codon 336 of the NF2 protein. Computational prediction suggests that this variant may not impact protein structure and function. To our knowledge, functional studies have not been reported for this variant. This variant has not been reported in individuals affected with NF2-related disorders in the literature. This variant has been identified in 3/251398 chromosomes in the general population by the Genome Aggregation Database (gnomAD). The available evidence is insufficient to determine the role of this variant in disease conclusively. Therefore, this variant is classified as a Variant of Uncertain Significance.

Fulgent Genetics
Classification: Uncertain significance for Neurofibromatosis, type 2; Familial meningioma. Last evaluated: 2024-03-17. Review status: criteria provided, single submitter. Criteria: ACMG Guidelines, 2015. Collection method: clinical testing. Allele origin: germline.

All of Us Research Program, National Institutes of Health
Classification: Uncertain significance for Neurofibromatosis, type 2. Last evaluated: 2023-04-03. Review status: criteria provided, single submitter. Criteria: ACMG Guidelines, 2015. Collection method: clinical testing. Allele origin: germline. Inheritance: Autosomal dominant inheritance. Observed: 1 variant allele, 1 heterozygote.
Comment: This missense variant replaces arginine with glutamine at codon 336 of the NF2 protein. Computational prediction suggests that this variant may not impact protein structure and function (internally defined REVEL score threshold <= 0.5, PMID: 27666373). To our knowledge, functional studies have not been reported for this variant. This variant has not been reported in individuals affected with NF2-related disorders in the literature. This variant has been identified in 3/251398 chromosomes in the general population by the Genome Aggregation Database (gnomAD). The available evidence is insufficient to determine the role of this variant in disease conclusively. Therefore, this variant is classified as a Variant of Uncertain Significance.

This study involves interpretation of variants in research participants for the purpose of population health screening. Participant phenotype was not available at the time of variant classification. Additional details can be found in publication PMID: 35346344, PMCID: PMC8962531

Genome-Nilou Lab
Classification: Uncertain significance for Neurofibromatosis, type 2. Last evaluated: 2021-11-07. Review status: criteria provided, single submitter. Criteria: ACMG Guidelines, 2015. Collection method: clinical testing. Allele origin: germline. Affected: no.

Mayo Clinic Laboratories, Mayo Clinic
Classification: Uncertain significance. Last evaluated: 2021-03-12. Review status: criteria provided, single submitter. Criteria: ACMG Guidelines, 2015. Collection method: clinical testing. Allele origin: germline. Observed: 1 variant allele.

Illumina Laboratory Services, Illumina
Classification: Uncertain significance for Neurofibromatosis, type 2. Last evaluated: 2017-04-27. Review status: criteria provided, single submitter. Criteria: ICSL Variant Classification Criteria 13 December 2019. Collection method: clinical testing. Allele origin: germline.

ITMI
No classification provided. Condition: AllHighlyPenetrant. Last evaluated: 2013-09-19. Review status: no classification provided. Collection method: reference population. Allele origin: germline. Not counted in ClinVar's aggregate classification.
Comment: Please see associated publication for description of ethnicities

Literature cited by the submitters: PubMed 24728327 (cited by ITMI).

NM_000268.4(NF2):c.1007G>A (p.Arg336Gln)

Gene: NF2 (NF2, moesin-ezrin-radixin like (MERLIN) tumor suppressor; plus strand). Cytogenetic location: 22q12.2.
Variant type: single nucleotide variant.
Coding change: c.1007G>A on transcript NM_000268.4 (MANE Select); coding-DNA position 1007, G replaced by A.
Protein change: p.Arg336Gln; replaces arginine 336 with glutamine.
Molecular consequence: missense variant. On other transcripts: non-coding transcript variant (1), intron variant (1).
Genome position (GRCh38, 1-based): chr22:29,671,833, G>A. VCF-style: chr22-29671833-G-A. GRCh37 (hg19) VCF-style: chr22-30067822-G-A.
Other names: c.1007G>A, p.Arg336Gln (NM_016418.5, NM_181825.3, NM_181832.3); c.881G>A, p.Arg294Gln (NM_181828.3); c.884G>A, p.Arg295Gln (NM_181829.3); c.758G>A, p.Arg253Gln (NM_181830.3, NM_181831.3); c.448-22919G>A (NM_181833.3); short protein forms R336Q, R253Q, R295Q, R294Q.
Identifiers: ClinVar variation 134895 (VCV000134895.29), dbSNP rs587778554, ClinGen allele CA021271.
Genomic context (GRCh38, chr22:29,671,833, plus strand): 5'-CCCTAGGTCTCGAGCCCTGTGATTCAATGACTGTTTTTCTTCACCCCTCGCAGATGGAGC[G>A]GCAGCGCCTCGCTCGAGAGAAGCAGATGAGGGAGGAGGCTGAACGCACGAGGGATGAGTT-3'
Protein context (NP_000259.1, residues 326-346): REEKARKQME[Arg336Gln]QRLAREKQMR